The following is an entry in ClinVar:

ClinVar aggregate classification (germline): Uncertain significance (1 of 4 stars; one submission).

Allele frequency attached by ClinVar (database versions not stated): gnomAD 0.00001; TOPMed 0.00002.

Submission:

Labcorp Genetics (formerly Invitae), Labcorp
Classification: Uncertain significance. Last evaluated: 2021-11-27. Review status: criteria provided, single submitter. Criteria: Invitae Variant Classification Sherloc (09022015). Collection method: clinical testing. Allele origin: germline.
Comment: In summary, the available evidence is currently insufficient to determine the role of this variant in disease. Therefore, it has been classified as a Variant of Uncertain Significance. Algorithms developed to predict the effect of missense changes on protein structure and function are either unavailable or do not agree on the potential impact of this missense change (SIFT: "Tolerated"; PolyPhen-2: "Possibly Damaging"; Align-GVGD: "Class C0"). This variant has not been reported in the literature in individuals affected with CNTNAP1-related conditions. This variant is not present in population databases (gnomAD no frequency). This sequence change replaces lysine, which is basic and polar, with arginine, which is basic and polar, at codon 1168 of the CNTNAP1 protein (p.Lys1168Arg).

NM_003632.3(CNTNAP1):c.3503A>G (p.Lys1168Arg)

Gene: CNTNAP1 (contactin associated protein 1; plus strand). Cytogenetic location: 17q21.2.
Variant type: single nucleotide variant.
Coding change: c.3503A>G on transcript NM_003632.3 (MANE Select); coding-DNA position 3503, A replaced by G.
Protein change: p.Lys1168Arg; replaces lysine 1168 with arginine.
Molecular consequence: missense variant.
Genome position (GRCh38, 1-based): chr17:42,697,302, A>G. VCF-style: chr17-42697302-A-G. GRCh37 (hg19) VCF-style: chr17-40849320-A-G.
Other names: short protein forms K1168R.
Identifiers: ClinVar variation 1382104 (VCV001382104.6), dbSNP rs1396162520, ClinGen allele CA399627890.